The following is an entry in ClinVar:

ClinVar aggregate classification (germline): Uncertain significance (1 of 4 stars; one submission).

Conditions:
Menkes kinky-hair syndrome (MNK). Also called: Copper transport disease; Menkes Disease; Classic Menkes Disease. Identifiers: Orphanet 565, MedGen C0022716, MONDO:0010651, OMIM 309400.
X-linked distal spinal muscular atrophy type 3. Also called: ATP7A-Related Distal Motor Neuropathy; SPINAL MUSCULAR ATROPHY, DISTAL, X-LINKED RECESSIVE; NEURONOPATHY, DISTAL HEREDITARY MOTOR, X-LINKED; NEUROPATHY, DISTAL HEREDITARY MOTOR, X-LINKED. Identifiers: Orphanet 139557, MedGen C1845359, MONDO:0010338, OMIM 300489.
Cutis laxa, X-linked (OHS). Also called: EDS IX; Occipital horn syndrome. Identifiers: Orphanet 198, MedGen C0268353, MONDO:0010572, OMIM 304150.

Submission:

Labcorp Genetics (formerly Invitae), Labcorp
Classification: Uncertain significance for X-linked distal spinal muscular atrophy type 3; Cutis laxa, X-linked; Menkes kinky-hair syndrome. Last evaluated: 2024-07-30. Review status: criteria provided, single submitter. Criteria: Invitae Variant Classification Sherloc (09022015). Collection method: clinical testing. Allele origin: germline.
Comment: This sequence change replaces valine, which is neutral and non-polar, with leucine, which is neutral and non-polar, at codon 1218 of the ATP7A protein (p.Val1218Leu). This variant is not present in population databases (gnomAD no frequency). This variant has not been reported in the literature in individuals affected with ATP7A-related conditions. Advanced modeling of protein sequence and biophysical properties (such as structural, functional, and spatial information, amino acid conservation, physicochemical variation, residue mobility, and thermodynamic stability) performed at Invitae indicates that this missense variant is not expected to disrupt ATP7A protein function with a negative predictive value of 95%. In summary, the available evidence is currently insufficient to determine the role of this variant in disease. Therefore, it has been classified as a Variant of Uncertain Significance.

NM_000052.7(ATP7A):c.3652G>C (p.Val1218Leu)

Gene: ATP7A (ATPase copper transporting alpha; plus strand). Cytogenetic location: Xq21.1.
Variant type: single nucleotide variant.
Coding change: c.3652G>C on transcript NM_000052.7 (MANE Select); coding-DNA position 3652, G replaced by C.
Protein change: p.Val1218Leu; replaces valine 1218 with leucine.
Molecular consequence: missense variant. On other transcripts: non-coding transcript variant (1).
Genome position (GRCh38, 1-based): chrX:78,038,976, G>C. VCF-style: chrX-78038976-G-C. GRCh37 (hg19) VCF-style: chrX-77294474-G-C.
Other names: c.3418G>C, p.Val1140Leu (NM_001282224.2); short protein forms V1140L, V1218L.
Identifiers: ClinVar variation 3752570 (VCV003752570.2).
Genomic context (GRCh38, chrX:78,038,976, plus strand): 5'-GATGTAAATGATTTCATGACTGAACATGAGAGAAAAGGTCGGACTGCTGTATTAGTAGCA[G>C]TTGATGGTAAGGTTTTCCATAAGTATGCTATAACTCAATGTTTTGTTATTGTTTTATTAA-3'
Protein context (NP_000043.4, residues 1208-1228): RKGRTAVLVA[Val1218Leu]DDELCGLIAI